The following is an entry in ClinVar:

ClinVar aggregate classification (germline): Uncertain significance (1 of 4 stars; one submission).

Submission:

GeneDx
Classification: Uncertain significance. Last evaluated: 2026-03-26. Review status: criteria provided, single submitter. Criteria: GeneDx Variant Classification Process June 2021. Collection method: clinical testing. Allele origin: germline.
Comment: Not observed at significant frequency in large population cohorts (gnomAD); In silico analysis suggests that this missense variant does not alter protein structure/function; Has not been previously published as pathogenic or benign to our knowledge

NM_139125.4(MASP1):c.628T>A (p.Ser210Thr)

Gene: MASP1 (MBL associated serine protease 1; minus strand). Cytogenetic location: 3q27.3.
Variant type: single nucleotide variant.
Coding change: c.628T>A on transcript NM_139125.4 (MANE Select); coding-DNA position 628, T replaced by A.
Protein change: p.Ser210Thr; replaces serine 210 with threonine.
Molecular consequence: missense variant. On other transcripts: non-coding transcript variant (1).
Genome position (GRCh38, 1-based): chr3:187,256,780, A>T on the plus strand (T>A on the coding strand, the complement: MASP1 is on the minus strand). VCF-style: chr3-187256780-A-T. GRCh37 (hg19) VCF-style: chr3-186974568-A-T.
Other names: c.628T>A, p.Ser210Thr (NM_001031849.3, NM_001879.6); short protein forms S210T.
Identifiers: ClinVar variation 5017623 (VCV005017623.1).